The following is an entry in ClinVar:

NM_003872.3(NRP2):c.2532C>T (p.Ala844=)

Gene: NRP2 (neuropilin 2; plus strand). Cytogenetic location: 2q33.3.
Variant type: single nucleotide variant.
Coding change: c.2532C>T on transcript NM_003872.3 (MANE Select); coding-DNA position 2532, C replaced by T.
Protein change: p.Ala844=; no amino-acid change (alanine 844 retained).
Molecular consequence: synonymous variant.
Genome position (GRCh38, 1-based): chr2:205,794,809, C>T. VCF-style: chr2-205794809-C-T. GRCh37 (hg19) VCF-style: chr2-206659533-C-T.
Other names: c.2547C>T, p.Ala849= (NM_201266.2); c.2481C>T, p.Ala827= (NM_201279.2).
Identifiers: ClinVar variation 3346954 (VCV003346954.1).
Genomic context (GRCh38, chr2:205,794,809, plus strand): 5'-CGCAGATGAATACGAGGTGGACTGGAGCAATTCTTCTTCTGCAACCTCAGGGTCTGGCGC[C>T]CCCTCGACCGACAAAGAAAAGAGCTGGCTGTACACCCTGGATCCCATCCTCATCACCATC-3'
Protein context (NP_003863.2, residues 834-854): NSSSATSGSG[Ala844=]PSTDKEKSWL

ClinVar aggregate classification (germline): Likely benign (0 of 4 stars; one submission).

Conditions:
NRP2-related disorder. Also called: NRP2-related condition.

gnomAD v4.1: 5 of 1,614,066 alleles (0.00031%); highest among the groups gnomAD compares: African/African-American, 0.0013%; no homozygotes.

Submission:

PreventionGenetics, part of Exact Sciences
Classification: Likely benign for NRP2-related condition. Last evaluated: 2024-09-25. Review status: no assertion criteria provided. Collection method: clinical testing. Allele origin: germline.
Comment: This variant is classified as likely benign based on ACMG/AMP sequence variant interpretation guidelines (Richards et al. 2015 PMID: 25741868, with internal and published modifications).